The following is an entry in ClinVar:

ClinVar aggregate classification (germline): Pathogenic/Likely pathogenic. Review status: criteria provided, multiple submitters, no conflicts (2 of 4 stars). 2 submissions from 2 submitters: Pathogenic (1); Likely pathogenic (1). Last evaluated 2024-08-12.

Conditions:
Hypogonadotropic hypogonadism 1 with or without anosmia (HH1). Also called: DYSPLASIA OLFACTOGENITALIS OF DE MORSIER; Kallmann syndrome, type 1, X-linked; HYPOGONADOTROPIC HYPOGONADISM 1 WITH ANOSMIA; KAL1-Related GnRH Deficiency (Kallmann Syndrome 1; Kallmann Syndrome, X-Linked); Hypogonadotropic hypogonadism 1 with or without anosmia (Kallmann syndrome 1); HYPOGONADOTROPIC HYPOGONADISM AND ANOSMIA. Identifiers: Orphanet 478, MedGen C1563719, MONDO:0010635, OMIM 308700. Disease mechanism: loss of function.
ANOS1-related disorder. Also called: ANOS1-related condition.

Submissions (2):

Labcorp Genetics (formerly Invitae), Labcorp
Classification: Pathogenic for Hypogonadotropic hypogonadism 1 with or without anosmia. Last evaluated: 2024-08-12. Review status: criteria provided, single submitter. Criteria: Invitae Variant Classification Sherloc (09022015). Collection method: clinical testing. Allele origin: germline.
Comment: This sequence change creates a premature translational stop signal (p.Arg247*) in the ANOS1 gene. It is expected to result in an absent or disrupted protein product. Loss-of-function variants in ANOS1 are known to be pathogenic (PMID: 8504298, 11297579). This variant is not present in population databases (gnomAD no frequency). This variant has not been reported in the literature in individuals affected with ANOS1-related conditions. For these reasons, this variant has been classified as Pathogenic.

Blueprint Genetics
Classification: Likely pathogenic for ANOS1-related disorders. Last evaluated: 2024-02-29. Review status: criteria provided, single submitter. Criteria: ACMG Guidelines, 2015. Collection method: clinical testing. Allele origin: germline. Affected: yes. Observed: 1 variant allele.

Literature cited by the submitters: PubMed 8504298 (cited by Labcorp Genetics (formerly Invitae), Labcorp); PubMed 11297579 (cited by Labcorp Genetics (formerly Invitae), Labcorp).

NM_000216.4(ANOS1):c.739C>T (p.Arg247Ter)

Gene: ANOS1 (anosmin 1; minus strand). Cytogenetic location: Xp22.31.
Variant type: single nucleotide variant.
Coding change: c.739C>T on transcript NM_000216.4 (MANE Select); coding-DNA position 739, C replaced by T.
Protein change: p.Arg247Ter; replaces arginine 247 with a stop codon.
Molecular consequence: nonsense.
Genome position (GRCh38, 1-based): chrX:8,585,384, G>A on the plus strand (C>T on the coding strand, the complement: ANOS1 is on the minus strand). VCF-style: chrX-8585384-G-A. GRCh37 (hg19) VCF-style: chrX-8553425-G-A.
Other names: short protein forms R247*.
Identifiers: ClinVar variation 2772796 (VCV002772796.4), dbSNP rs2518492991, ClinGen allele CA411998440.
Genomic context (GRCh38, chrX:8,585,384, plus strand): 5'-TCACAGCAGCCACTCGAAACTGGTACCATCGGCTGGGTCTTATGTCAGTCAGTTGAACTC[G>A]CTCGTCTGTGGTCTGAGGGGACATGTCACAGAGCACAGGGAACATGTCACTTTTTATTCC-3'